The following is an entry in ClinVar:

ClinVar aggregate classification (germline): Uncertain significance (1 of 4 stars; one submission).

Conditions:
Polycystic kidney disease, adult type (PKD1). Also called: Polycystic Kidney, Autosomal Dominant; POLYCYSTIC KIDNEY DISEASE, ADULT, TYPE I; Polycystic Kidney Disease 1, Autosomal Dominant; Polycystic kidney disease 1; Polycystic kidney disease 1, severe; POLYCYSTIC KIDNEY DISEASE 1 WITH OR WITHOUT POLYCYSTIC LIVER DISEASE. Identifiers: MedGen C3149841, MONDO:0008263, OMIM 173900.

Submission:

Victorian Clinical Genetics Services, Murdoch Childrens Research Institute
Classification: Uncertain significance for Polycystic kidney disease, adult type. Last evaluated: 2025-02-27. Review status: criteria provided, single submitter. Criteria: ACMG Guidelines, 2015. Collection method: clinical testing. Allele origin: germline. Affected: yes.
Comment: This variant is classified as VUS-3B. Evidence in support of pathogenic classification: In-frame deletion in a non-repetitive region that has low conservation; Variant is absent from gnomAD (v2, v3 and v4). Additional information: This variant is heterozygous; This gene is associated with autosomal dominant disease. Polycystic kidney disease 1 (MIM#173900) is predominantly caused by monoallelic variants, with rare reports of biallelic variants causing disease (OMIM); This variant has no previous evidence of pathogenicity; No published segregation evidence has been identified for this variant; No published functional evidence has been identified for this variant; No comparable in-frame deletion variants have previous evidence for pathogenicity; Variant is located in the annotated polycystin domain (DECIPHER); Loss of function is a known mechanism of disease in this gene and is associated with polycystic kidney disease 1 (MIM#173900); Inheritance information for this variant is not currently available in this individual.

NM_001009944.3(PKD1):c.11392_11403del (p.Ser3798_Asp3801del)

Genes: PKD1-AS1 (PKD1 antisense RNA 1; plus strand), PKD1 (polycystin 1, transient receptor potential channel interacting; minus strand). Cytogenetic location: 16p13.3.
Variant type: Deletion.
Coding change: c.11392_11403del on transcript NM_001009944.3 (MANE Select); coding-DNA positions 11392 to 11403, 12 bases deleted (TCAGCGCCGGAT).
Protein change: p.Ser3798_Asp3801del.
Molecular consequence: inframe deletion.
Genome position (GRCh38, 1-based): chr16:2,092,055-2,092,066, ATCCGGCGCTGA deleted on the plus strand (TCAGCGCCGGAT on the coding strand, the reverse complement: PKD1 is on the minus strand); deleting any 12 consecutive bases within chr16:2,092,055-2,092,068 gives the same sequence; the c. name uses the placement nearest the transcript's 3' end. VCF-style (leftmost placement, unchanged base first): chr16-2092054-GATCCGGCGCTGA-G. GRCh37 (hg19) VCF-style: chr16-2142055-GATCCGGCGCTGA-G.
Other names: c.11389_11400del, p.Ser3797_Asp3800del (NM_000296.4).
Identifiers: ClinVar variation 4531539 (VCV004531539.1).
Genomic context (GRCh38, chr16:2,092,054, plus strand): 5'-AGAACTACTCCCTTGTCCTTGGCGTAGACGCCCGGGGCCCTCGCTCTGCTCACCCCAGCA[GATCCGGCGCTGA>G]ATAGGCCCACGTCCCCGAGCCATTGTGAGGACTCTCCCAGCCAACGTCGTAATCGCTGGT-3'